The following is an entry in ClinVar:

ClinVar aggregate classification (germline): Uncertain significance (1 of 4 stars; one submission).

Allele frequency attached by ClinVar (database versions not stated): TOPMed below 0.00001.
gnomAD v4.1: 3 of 1,614,250 alleles (0.00019%); highest among the groups gnomAD compares: Non-Finnish European, 0.00017%; no homozygotes.

Submission:

Labcorp Genetics (formerly Invitae), Labcorp
Classification: Uncertain significance. Last evaluated: 2022-08-19. Review status: criteria provided, single submitter. Criteria: Invitae Variant Classification Sherloc (09022015). Collection method: clinical testing. Allele origin: germline.
Comment: This sequence change replaces aspartic acid, which is acidic and polar, with tyrosine, which is neutral and polar, at codon 482 of the CENPJ protein (p.Asp482Tyr). In summary, the available evidence is currently insufficient to determine the role of this variant in disease. Therefore, it has been classified as a Variant of Uncertain Significance. Algorithms developed to predict the effect of missense changes on protein structure and function are either unavailable or do not agree on the potential impact of this missense change (SIFT: "Deleterious"; PolyPhen-2: "Probably Damaging"; Align-GVGD: "Class C0"). This variant has not been reported in the literature in individuals affected with CENPJ-related conditions. This variant is not present in population databases (gnomAD no frequency).

NM_018451.5(CPAP):c.1444G>T (p.Asp482Tyr)

Gene: CPAP (centrosome assembly and centriole elongation protein; minus strand). Cytogenetic location: 13q12.13.
Variant type: single nucleotide variant.
Coding change: c.1444G>T on transcript NM_018451.5 (MANE Select); coding-DNA position 1444, G replaced by T.
Protein change: p.Asp482Tyr; replaces aspartic acid 482 with tyrosine.
Molecular consequence: missense variant. On other transcripts: non-coding transcript variant (2).
Genome position (GRCh38, 1-based): chr13:24,906,594, C>A on the plus strand (G>T on the coding strand, the complement: CPAP is on the minus strand). VCF-style: chr13-24906594-C-A. GRCh37 (hg19) VCF-style: chr13-25480732-C-A.
Other names: short protein forms D482Y.
Identifiers: ClinVar variation 1979526 (VCV001979526.2), dbSNP rs202097933, ClinGen allele CA247082529.
Genomic context (GRCh38, chr13:24,906,594, plus strand): 5'-TTTCTTTATTATTAGATGTGACTTTGTTTTCAAATTTGATCTGGTCTCTAAACTGCCCAT[C>A]ACATTTCTTCCCCGTCTGTATTTTCAATCCTGACGGAGAAAGACTTTTCCTGTTACTACA-3'
Protein context (NP_060921.3, residues 472-492): GLKIQTGKKC[Asp482Tyr]GQFRDQIKFE